The following is an entry in ClinVar:

NM_001184.4(ATR):c.80A>G (p.Asn27Ser)

Gene: ATR (ATR checkpoint kinase; minus strand). Cytogenetic location: 3q23.
Variant type: single nucleotide variant.
Coding change: c.80A>G on transcript NM_001184.4 (MANE Select); coding-DNA position 80, A replaced by G.
Protein change: p.Asn27Ser; replaces asparagine 27 with serine.
Molecular consequence: missense variant.
Genome position (GRCh38, 1-based): chr3:142,568,134, T>C on the plus strand (A>G on the coding strand, the complement: ATR is on the minus strand). VCF-style: chr3-142568134-T-C. GRCh37 (hg19) VCF-style: chr3-142286976-T-C.
Other names: c.80A>G, p.Asn27Ser (NM_001354579.2); short protein forms N27S.
Identifiers: ClinVar variation 1009806 (VCV001009806.8), dbSNP rs2035134497, ClinGen allele CA354829099.

ClinVar aggregate classification (germline): Uncertain significance (1 of 4 stars; one submission).

Submission:

Labcorp Genetics (formerly Invitae), Labcorp
Classification: Uncertain significance. Last evaluated: 2020-03-08. Review status: criteria provided, single submitter. Criteria: Invitae Variant Classification Sherloc (09022015). Collection method: clinical testing. Allele origin: germline.
Comment: In summary, the available evidence is currently insufficient to determine the role of this variant in disease. Therefore, it has been classified as a Variant of Uncertain Significance. Algorithms developed to predict the effect of missense changes on protein structure and function (SIFT, PolyPhen-2, Align-GVGD) all suggest that this variant is likely to be tolerated, but these predictions have not been confirmed by published functional studies and their clinical significance is uncertain. This variant has not been reported in the literature in individuals with ATR-related conditions. This variant is not present in population databases (ExAC no frequency). This sequence change replaces asparagine with serine at codon 27 of the ATR protein (p.Asn27Ser). The asparagine residue is moderately conserved and there is a small physicochemical difference between asparagine and serine.